The following is an entry in ClinVar:

ClinVar aggregate classification (germline): Uncertain significance (1 of 4 stars; one submission).

Conditions:
Hereditary cancer-predisposing syndrome. Also called: Neoplastic Syndromes, Hereditary; Hereditary Cancer Syndrome; Tumor predisposition; Hereditary neoplastic syndrome. Identifiers: Orphanet 140162, MedGen C0027672, MeSH D009386, MONDO:0015356.

Submission:

Ambry Genetics
Classification: Uncertain significance for Hereditary cancer-predisposing syndrome. Last evaluated: 2024-12-20. Review status: criteria provided, single submitter. Criteria: Ambry Variant Classification Scheme 2023. Collection method: clinical testing. Allele origin: germline.
Comment: The p.L335I variant (also known as c.1003C>A), located in coding exon 8 of the SUFU gene, results from a C to A substitution at nucleotide position 1003. The leucine at codon 335 is replaced by isoleucine, an amino acid with highly similar properties. This amino acid position is conserved. In addition, this alteration is predicted to be tolerated by in silico analysis. Based on the available evidence, the clinical significance of this variant remains unclear.

NM_016169.4(SUFU):c.1003C>A (p.Leu335Ile)

Gene: SUFU (SUFU negative regulator of hedgehog signaling; plus strand). Cytogenetic location: 10q24.32.
Variant type: single nucleotide variant.
Coding change: c.1003C>A on transcript NM_016169.4 (MANE Select); coding-DNA position 1003, C replaced by A.
Protein change: p.Leu335Ile; replaces leucine 335 with isoleucine.
Molecular consequence: missense variant.
Genome position (GRCh38, 1-based): chr10:102,599,525, C>A. VCF-style: chr10-102599525-C-A. GRCh37 (hg19) VCF-style: chr10-104359282-C-A.
Other names: c.1003C>A, p.Leu335Ile (NM_001178133.2); short protein forms L335I.
Identifiers: ClinVar variation 3802887 (VCV003802887.1).